The following is an entry in ClinVar:

NM_002471.4(MYH6):c.1410+5G>A

Gene: MYH6 (myosin heavy chain 6; minus strand). Cytogenetic location: 14q11.2.
Variant type: single nucleotide variant.
Coding change: c.1410+5G>A on transcript NM_002471.4 (MANE Select); 5 bases into the intron after coding-DNA position 1410, G replaced by A.
Molecular consequence: intron variant.
Genome position (GRCh38, 1-based): chr14:23,400,704, C>T on the plus strand (G>A on the coding strand, the complement: MYH6 is on the minus strand). VCF-style: chr14-23400704-C-T. GRCh37 (hg19) VCF-style: chr14-23869913-C-T.
Identifiers: ClinVar variation 2881671 (VCV002881671.3), dbSNP rs2502192782, ClinGen allele CA2739277775.
Genomic context (GRCh38, chr14:23,400,704, plus strand): 5'-AAATGGCTGTTGAATGTAGGAGCAAGCGAGTGATTGTTCTCCCACTCCCAGGGGTCCCAA[C>T]TCACGTCGAAGATCTCGAAGCCAGCGATGTCCAGGACTCCTATGAAGTACTGGCGTGGCT-3'

ClinVar aggregate classification (germline): Uncertain significance (1 of 4 stars; one submission).

Conditions:
Hypertrophic cardiomyopathy 14. Identifiers: MedGen C2750467, MONDO:0013197, OMIM 613251.

Submission:

Labcorp Genetics (formerly Invitae), Labcorp
Classification: Uncertain significance for Hypertrophic cardiomyopathy 14. Last evaluated: 2022-11-23. Review status: criteria provided, single submitter. Criteria: Invitae Variant Classification Sherloc (09022015). Collection method: clinical testing. Allele origin: germline.
Comment: This sequence change falls in intron 13 of the MYH6 gene. It does not directly change the encoded amino acid sequence of the MYH6 protein. It affects a nucleotide within the consensus splice site. In summary, the available evidence is currently insufficient to determine the role of this variant in disease. Therefore, it has been classified as a Variant of Uncertain Significance. Variants that disrupt the consensus splice site are a relatively common cause of aberrant splicing (PMID: 17576681, 9536098). Algorithms developed to predict the effect of sequence changes on RNA splicing suggest that this variant may disrupt the consensus splice site. This variant has not been reported in the literature in individuals affected with MYH6-related conditions. This variant is not present in population databases (gnomAD no frequency).

Literature cited by the submitters: PubMed 17576681; PubMed 9536098.